The following is an entry in ClinVar:

ClinVar aggregate classification (germline): Uncertain significance (1 of 4 stars; one submission).

Submission:

Labcorp Genetics (formerly Invitae), Labcorp
Classification: Uncertain significance. Last evaluated: 2023-01-28. Review status: criteria provided, single submitter. Criteria: Invitae Variant Classification Sherloc (09022015). Collection method: clinical testing. Allele origin: germline.
Comment: This sequence change replaces cysteine, which is neutral and slightly polar, with glycine, which is neutral and non-polar, at codon 556 of the CDH3 protein (p.Cys556Gly). This variant is not present in population databases (gnomAD no frequency). This variant has not been reported in the literature in individuals affected with CDH3-related conditions. Advanced modeling of protein sequence and biophysical properties (such as structural, functional, and spatial information, amino acid conservation, physicochemical variation, residue mobility, and thermodynamic stability) performed at Invitae indicates that this missense variant is expected to disrupt CDH3 protein function. In summary, the available evidence is currently insufficient to determine the role of this variant in disease. Therefore, it has been classified as a Variant of Uncertain Significance.

NM_001793.6(CDH3):c.1666T>G (p.Cys556Gly)

Gene: CDH3 (cadherin 3; plus strand). Cytogenetic location: 16q22.1.
Variant type: single nucleotide variant.
Coding change: c.1666T>G on transcript NM_001793.6 (MANE Select); coding-DNA position 1666, T replaced by G.
Protein change: p.Cys556Gly; replaces cysteine 556 with glycine.
Molecular consequence: missense variant.
Genome position (GRCh38, 1-based): chr16:68,687,607, T>G. VCF-style: chr16-68687607-T-G. GRCh37 (hg19) VCF-style: chr16-68721510-T-G.
Other names: c.1666T>G, p.Cys556Gly (NM_001317195.3); c.1501T>G, p.Cys501Gly (NM_001317196.2); short protein forms C501G, C556G.
Identifiers: ClinVar variation 2832627 (VCV002832627.3), dbSNP rs2543751242, ClinGen allele CA396454762.